The following is an entry in ClinVar:

NM_003978.5(PSTPIP1):c.905A>G (p.Gln302Arg)

Gene: PSTPIP1 (proline-serine-threonine phosphatase interacting protein 1; plus strand). Cytogenetic location: 15q24.3.
Variant type: single nucleotide variant.
Coding change: c.905A>G on transcript NM_003978.5 (MANE Select); coding-DNA position 905, A replaced by G.
Protein change: p.Gln302Arg; replaces glutamine 302 with arginine.
Molecular consequence: missense variant. On other transcripts: intron variant (1).
Genome position (GRCh38, 1-based): chr15:77,032,928, A>G. VCF-style: chr15-77032928-A-G. GRCh37 (hg19) VCF-style: chr15-77325269-A-G.
Other names: c.878A>G, p.Gln293Arg (NM_001321136.2); c.1100A>G, p.Gln367Arg (NM_001321137.1); c.905A>G, p.Gln302Arg (NM_001411086.1); c.872+500A>G (NM_001321135.2); short protein forms Q302R, Q293R, Q367R.
Identifiers: ClinVar variation 2057754 (VCV002057754.4), dbSNP rs2542865325, ClinGen allele CA393521451.

ClinVar aggregate classification (germline): Uncertain significance (1 of 4 stars; one submission).

Conditions:
Pyogenic arthritis-pyoderma gangrenosum-acne syndrome (PAPA). Also called: FAMILIAL RECURRENT ARTHRITIS; PAPA SYNDROME. Identifiers: Orphanet 69126, MedGen C1858361, MONDO:0011462, OMIM 604416.

Submission:

Labcorp Genetics (formerly Invitae), Labcorp
Classification: Uncertain significance for Pyogenic arthritis-pyoderma gangrenosum-acne syndrome. Last evaluated: 2024-01-02. Review status: criteria provided, single submitter. Criteria: Invitae Variant Classification Sherloc (09022015). Collection method: clinical testing. Allele origin: germline.
Comment: This sequence change replaces glutamine, which is neutral and polar, with arginine, which is basic and polar, at codon 302 of the PSTPIP1 protein (p.Gln302Arg). This variant is not present in population databases (gnomAD no frequency). This variant has not been reported in the literature in individuals affected with PSTPIP1-related conditions. ClinVar contains an entry for this variant (Variation ID: 2057754). Advanced modeling of protein sequence and biophysical properties (such as structural, functional, and spatial information, amino acid conservation, physicochemical variation, residue mobility, and thermodynamic stability) performed at Invitae indicates that this missense variant is not expected to disrupt PSTPIP1 protein function with a negative predictive value of 80%. In summary, the available evidence is currently insufficient to determine the role of this variant in disease. Therefore, it has been classified as a Variant of Uncertain Significance.